The following is an entry in ClinVar:

ClinVar aggregate classification (germline): Uncertain significance. Review status: criteria provided, multiple submitters, no conflicts (2 of 4 stars). 2 submissions from 2 submitters: Uncertain significance (2). Last evaluated 2024-04-13.

Conditions:
Hereditary cancer-predisposing syndrome. Also called: Tumor predisposition; Hereditary neoplastic syndrome; Neoplastic Syndromes, Hereditary; Hereditary Cancer Syndrome. Identifiers: Orphanet 140162, MedGen C0027672, MeSH D009386, MONDO:0015356.
BAP1-related tumor predisposition syndrome (TPDS1). Also called: Tumor susceptibility linked to germline BAP1 mutations; COMMON Syndrome; TUMOR PREDISPOSITION SYNDROME 1; BAP1 tumor predisposition syndrome. Identifiers: Orphanet 289539, MedGen C3280492, MONDO:0013692, OMIM 614327.

Allele frequency attached by ClinVar (database versions not stated): gnomAD exomes below 0.00001.

Submissions (2):

Labcorp Genetics (formerly Invitae), Labcorp
Classification: Uncertain significance for BAP1-related tumor predisposition syndrome. Last evaluated: 2024-04-13. Review status: criteria provided, single submitter. Criteria: Invitae Variant Classification Sherloc (09022015). Collection method: clinical testing. Allele origin: germline.
Comment: This sequence change replaces isoleucine, which is neutral and non-polar, with threonine, which is neutral and polar, at codon 461 of the BAP1 protein (p.Ile461Thr). This variant is present in population databases (no rsID available, gnomAD 0.0009%). This variant has not been reported in the literature in individuals affected with BAP1-related conditions. ClinVar contains an entry for this variant (Variation ID: 1009257). Advanced modeling of protein sequence and biophysical properties (such as structural, functional, and spatial information, amino acid conservation, physicochemical variation, residue mobility, and thermodynamic stability) performed at Invitae indicates that this missense variant is not expected to disrupt BAP1 protein function with a negative predictive value of 80%. In summary, the available evidence is currently insufficient to determine the role of this variant in disease. Therefore, it has been classified as a Variant of Uncertain Significance.

Ambry Genetics
Classification: Uncertain significance for Hereditary cancer-predisposing syndrome. Last evaluated: 2023-10-15. Review status: criteria provided, single submitter. Criteria: Ambry Variant Classification Scheme 2023. Collection method: clinical testing. Allele origin: germline.
Comment: The p.I461T variant (also known as c.1382T>C), located in coding exon 13 of the BAP1 gene, results from a T to C substitution at nucleotide position 1382. The isoleucine at codon 461 is replaced by threonine, an amino acid with similar properties. This amino acid position is conserved. In addition, this alteration is predicted to be tolerated by in silico analysis. Since supporting evidence is limited at this time, the clinical significance of this alteration remains unclear.

NM_004656.4(BAP1):c.1382T>C (p.Ile461Thr)

Gene: BAP1 (BRCA1 associated deubiquitinase 1; minus strand). Cytogenetic location: 3p21.1.
Variant type: single nucleotide variant.
Coding change: c.1382T>C on transcript NM_004656.4 (MANE Select); coding-DNA position 1382, T replaced by C.
Protein change: p.Ile461Thr; replaces isoleucine 461 with threonine.
Molecular consequence: missense variant.
Genome position (GRCh38, 1-based): chr3:52,403,763, A>G on the plus strand (T>C on the coding strand, the complement: BAP1 is on the minus strand). VCF-style: chr3-52403763-A-G. GRCh37 (hg19) VCF-style: chr3-52437779-A-G.
Other names: c.1382T>C (NM_004656.2); short protein forms I461T.
Identifiers: ClinVar variation 1009257 (VCV001009257.6), dbSNP rs1406145041, ClinGen allele CA353101680.